The following is an entry in ClinVar:

ClinVar aggregate classification (germline): Likely benign (1 of 4 stars; one submission).

Submission:

CeGaT Center for Human Genetics Tuebingen
Classification: Likely benign. Last evaluated: 2023-12-01. Review status: criteria provided, single submitter. Criteria: CeGaT Center For Human Genetics Tuebingen Variant Classification Criteria Version 2. Collection method: clinical testing. Allele origin: germline. Affected: yes. Observed: 1 variant allele.
Comment: IQSEC1: PM2:Supporting, BP4, BP7

NM_001134382.3(IQSEC1):c.23+50900G>A

Gene: IQSEC1 (IQ motif and Sec7 domain ArfGEF 1; minus strand). Cytogenetic location: 3p25.2.
Variant type: single nucleotide variant.
Coding change: c.23+50900G>A on transcript NM_001134382.3 (MANE Select); 50900 bases into the intron after coding-DNA position 23, G replaced by A.
Molecular consequence: intron variant.
Genome position (GRCh38, 1-based): chr3:13,022,092, C>T on the plus strand (G>A on the coding strand, the complement: IQSEC1 is on the minus strand). VCF-style: chr3-13022092-C-T. GRCh37 (hg19) VCF-style: chr3-13063592-C-T.
Other names: c.347+25386G>A (NM_001376938.2).
Identifiers: ClinVar variation 3026672 (VCV003026672.22), dbSNP rs1246963902, ClinGen allele CA2664527871.